The following is an entry in ClinVar:

NM_000268.4(NF2):c.*2235G>A

Gene: NF2 (NF2, moesin-ezrin-radixin like (MERLIN) tumor suppressor; plus strand). Cytogenetic location: 22q12.2.
Variant type: single nucleotide variant.
Coding change: c.*2235G>A on transcript NM_000268.4 (MANE Select); 2235 bases downstream of the stop codon, G replaced by A.
Molecular consequence: 3 prime UTR variant. On other transcripts: non-coding transcript variant (1).
Genome position (GRCh38, 1-based): chr22:29,697,037, G>A. VCF-style: chr22-29697037-G-A. GRCh37 (hg19) VCF-style: chr22-30093026-G-A.
Other names: c.*2295G>A (NM_016418.5, NM_181828.3, NM_181829.3 and 1 more transcripts); c.*2310G>A (NM_181832.3); c.*2235G>A (NM_181833.3).
Identifiers: ClinVar variation 341139 (VCV000341139.6), dbSNP rs5997506, ClinGen allele CA10653331.

ClinVar aggregate classification (germline): Benign. Review status: criteria provided, multiple submitters, no conflicts (2 of 4 stars). 2 submissions from 2 submitters: Benign (2). Last evaluated 2018-01-12.

Conditions:
Neurofibromatosis, type 2 (SWNV). Also called: SCHWANNOMATOSIS, VESTIBULAR; BILATERAL ACOUSTIC NEUROFIBROMATOSIS; NF2-Related Schwannomatosis. Identifiers: Orphanet 637, MedGen C0027832, MONDO:0007039, OMIM 101000. Disease mechanism: loss of function.

Allele frequency attached by ClinVar (database versions not stated): gnomAD exomes 0.10548; TOPMed 0.14010; gnomAD 0.14125 and 0.14204; 1000 Genomes Project 0.14537; 1000 Genomes Project 30x 0.14881.
gnomAD v4.1: 25,247 of 187,878 alleles (13%); highest among the groups gnomAD compares: African/African-American, 19%; 1,900 homozygotes.

Submissions (2):

Illumina Laboratory Services, Illumina
Classification: Benign for Neurofibromatosis, type 2. Last evaluated: 2018-01-12. Review status: criteria provided, single submitter. Criteria: ICSL Variant Classification Criteria 13 December 2019. Collection method: clinical testing. Allele origin: germline.
Comment: This variant was observed in the ICSL laboratory as part of a predisposition screen in an ostensibly healthy population. It had not been previously curated by ICSL or reported in the Human Gene Mutation Database (HGMD: prior to June 1st, 2018), and was therefore a candidate for classification through an automated scoring system. Utilizing variant allele frequency, disease prevalence and penetrance estimates, and inheritance mode, an automated score was calculated to assess if this variant is too frequent to cause the disease. Based on the score and internal cut-off values, a variant classified as benign is not then subjected to further curation. The score for this variant resulted in a classification of benign for this disease.

Breakthrough Genomics
Classification: Benign. Review status: criteria provided, single submitter. Criteria: ACMG Guidelines, 2015. Collection method: not provided. Allele origin: germline. Inheritance: Autosomal dominant inheritance. Affected: yes.